The following is an entry in ClinVar:

NM_000528.4(MAN2B1):c.323_324delinsAA (p.Leu108Ter)

Gene: MAN2B1 (mannosidase alpha class 2B member 1; minus strand). Cytogenetic location: 19p13.13.
Variant type: Indel.
Coding change: c.323_324delinsAA on transcript NM_000528.4 (MANE Select); coding-DNA positions 323 to 324, TG replaced by AA.
Protein change: p.Leu108Ter; replaces leucine 108 with a stop codon.
Molecular consequence: nonsense.
Genome position (GRCh38, 1-based): chr19:12,665,464-12,665,465, CA replaced by TT on the plus strand (TG replaced by AA on the coding strand, the reverse complement: MAN2B1 is on the minus strand). VCF-style: chr19-12665464-CA-TT. GRCh37 (hg19) VCF-style: chr19-12776278-CA-TT.
Other names: c.323_324delinsAA, p.Leu108Ter (NM_001173498.2); short protein forms L108*.
Identifiers: ClinVar variation 1069975 (VCV001069975.7), dbSNP rs2145289566, ClinGen allele CA2499225366.

ClinVar aggregate classification (germline): Pathogenic (1 of 4 stars; one submission).

Conditions:
Deficiency of alpha-mannosidase (MANSA). Also called: LYSOSOMAL ALPHA-D-MANNOSIDASE DEFICIENCY; Alpha-Mannosidosis; Mannosidosis, alpha-, types I and II. Identifiers: Orphanet 61, MedGen C0024748, MONDO:0009561, OMIM 248500.

Submission:

Labcorp Genetics (formerly Invitae), Labcorp
Classification: Pathogenic for Deficiency of alpha-mannosidase. Last evaluated: 2020-08-10. Review status: criteria provided, single submitter. Criteria: Invitae Variant Classification Sherloc (09022015). Collection method: clinical testing. Allele origin: germline.
Comment: This sequence change creates a premature translational stop signal (p.Leu108*) in the MAN2B1 gene. It is expected to result in an absent or disrupted protein product. For these reasons, this variant has been classified as Pathogenic. Loss-of-function variants in MAN2B1 are known to be pathogenic (PMID: 9915946, 22161967). This variant has not been reported in the literature in individuals with MAN2B1-related conditions. The frequency data for this variant in the population databases is not available, as this variant may be reported as separate entries in the ExAC database.

Literature cited by the submitters: PubMed 9915946; PubMed 22161967.